The following is an entry in ClinVar:

NM_000091.5(COL4A3):c.1928-1G>A

Genes: MFF-DT (MFF divergent transcript; minus strand), COL4A3 (collagen type IV alpha 3 chain; plus strand). Cytogenetic location: 2q36.3.
Variant type: single nucleotide variant.
Coding change: c.1928-1G>A on transcript NM_000091.5 (MANE Select); the canonical splice acceptor site of the intron before coding-DNA position 1928, G replaced by A.
Molecular consequence: splice acceptor variant.
Genome position (GRCh38, 1-based): chr2:227,276,384, G>A. VCF-style: chr2-227276384-G-A. GRCh37 (hg19) VCF-style: chr2-228141100-G-A.
Identifiers: ClinVar variation 447167 (VCV000447167.6), dbSNP rs1364800683, ClinGen allele CA350845991.

ClinVar aggregate classification (germline): Likely pathogenic. Review status: criteria provided, multiple submitters, no conflicts (2 of 4 stars). 2 submissions from 2 submitters: Likely pathogenic (2). Last evaluated 2023-02-14.

Allele frequency attached by ClinVar (database versions not stated): gnomAD exomes below 0.00001.

Submissions (2):

Labcorp Genetics (formerly Invitae), Labcorp
Classification: Likely pathogenic. Last evaluated: 2023-02-14. Review status: criteria provided, single submitter. Criteria: Invitae Variant Classification Sherloc (09022015). Collection method: clinical testing. Allele origin: germline.
Comment: In summary, the currently available evidence indicates that the variant is pathogenic, but additional data are needed to prove that conclusively. Therefore, this variant has been classified as Likely Pathogenic. Algorithms developed to predict the effect of sequence changes on RNA splicing suggest that this variant may disrupt the consensus splice site. ClinVar contains an entry for this variant (Variation ID: 447167). Disruption of this splice site has been observed in individual(s) with clinical features of Alport syndrome (Invitae). This variant is present in population databases (no rsID available, gnomAD 0.0009%). This sequence change affects an acceptor splice site in intron 26 of the COL4A3 gene. It is expected to disrupt RNA splicing. Variants that disrupt the donor or acceptor splice site typically lead to a loss of protein function (PMID: 16199547), and loss-of-function variants in COL4A3 are known to be pathogenic (PMID: 8956999, 24854265, 26809805, 27281700).

Athena Diagnostics
Classification: Likely pathogenic. Last evaluated: 2017-02-03. Review status: criteria provided, single submitter. Criteria: Athena Diagnostics Criteria. Collection method: clinical testing. Allele origin: germline.

Literature cited by the submitters: PubMed 16199547 (cited by Labcorp Genetics (formerly Invitae), Labcorp); PubMed 8956999 (cited by Labcorp Genetics (formerly Invitae), Labcorp); PubMed 24854265 (cited by Labcorp Genetics (formerly Invitae), Labcorp); PubMed 26809805 (cited by Labcorp Genetics (formerly Invitae), Labcorp); PubMed 27281700 (cited by Labcorp Genetics (formerly Invitae), Labcorp).